The following is an entry in ClinVar:

ClinVar aggregate classification (germline): Uncertain significance (1 of 4 stars; one submission).

Conditions:
Familial thoracic aortic aneurysm and aortic dissection (TAAD). Also called: Thoracic aortic aneurysms and dissections. Identifiers: Orphanet 91387, MedGen C4707243, MONDO:0019625.

gnomAD v4.1: 1 of 1,614,102 alleles (0.000062%); highest among the groups gnomAD compares: East Asian, 0.0022%; no homozygotes.

Submission:

Ambry Genetics
Classification: Uncertain significance for Familial thoracic aortic aneurysm and aortic dissection. Last evaluated: 2024-09-20. Review status: criteria provided, single submitter. Criteria: Ambry Variant Classification Scheme 2023. Collection method: clinical testing. Allele origin: germline.
Comment: The p.Q998H variant (also known as c.2994G>C), located in coding exon 41 of the COL3A1 gene, results from a G to C substitution at nucleotide position 2994. The glutamine at codon 998 is replaced by histidine, an amino acid with highly similar properties. This amino acid position is not well conserved in available vertebrate species. In addition, the in silico prediction for this alteration is inconclusive. Based on the available evidence, the clinical significance of this variant remains unclear.

NM_000090.4(COL3A1):c.2994G>C (p.Gln998His)

Gene: COL3A1 (collagen type III alpha 1 chain; plus strand). Cytogenetic location: 2q32.2.
Variant type: single nucleotide variant.
Coding change: c.2994G>C on transcript NM_000090.4 (MANE Select); coding-DNA position 2994, G replaced by C.
Protein change: p.Gln998His; replaces glutamine 998 with histidine.
Molecular consequence: missense variant.
Genome position (GRCh38, 1-based): chr2:189,005,412, G>C. VCF-style: chr2-189005412-G-C. GRCh37 (hg19) VCF-style: chr2-189870138-G-C.
Other names: short protein forms Q998H.
Identifiers: ClinVar variation 3495459 (VCV003495459.1).
Genomic context (GRCh38, chr2:189,005,412, plus strand): 5'-TGAAAGTGGGAAACCAGGAGCTAACGGTCTCAGTGGAGAACGTGGTCCCCCTGGACCCCA[G>C]GGTCTTCCTGGTCTGGCTGGTACAGCTGGTGAACCTGGAAGAGATGTGAGTAGCAGTTTT-3'
Protein context (NP_000081.2, residues 988-1008): LSGERGPPGP[Gln998His]GLPGLAGTAG